The following is an entry in ClinVar:

ClinVar aggregate classification (germline): Conflicting classifications of pathogenicity. Review status: criteria provided, conflicting classifications (1 of 4 stars). 4 submissions from 4 submitters: Uncertain significance (2); Likely benign (2). Last evaluated 2025-11-25.

Conditions:
Cardiovascular phenotype. Identifiers: MedGen CN230736.
Brugada syndrome. Also called: Sudden unexplained nocturnal death syndrome; Sudden unexpected nocturnal death syndrome; Sudden Unexplained Death Syndrome; Sudden Unexplained Nocturnal Death Syndrome (SUNDS). Identifiers: Orphanet 130, MedGen C1142166, MONDO:0015263.
Episodic pain syndrome, familial, 2 (FEPS2). Identifiers: Orphanet 306577, MedGen C3809893, MONDO:0014246, OMIM 615551.

Allele frequency attached by ClinVar (database versions not stated): ESP Exome Variant Server 0.00008; gnomAD 0.00008 and 0.00011; TOPMed 0.00010; 1000 Genomes Project 30x 0.00031; 1000 Genomes Project 0.00040.
gnomAD v4.1: 191 of 1,602,218 alleles (0.012%); highest among the groups gnomAD compares: Admixed American, 0.051%; 2 homozygotes.

Submissions (4):

Labcorp Genetics (formerly Invitae), Labcorp
Classification: Uncertain significance for Brugada syndrome. Last evaluated: 2025-11-25. Review status: criteria provided, single submitter. Criteria: Invitae Variant Classification Sherloc (09022015). Collection method: clinical testing. Allele origin: germline.
Comment: This sequence change replaces arginine, which is basic and polar, with glutamine, which is neutral and polar, at codon 498 of the SCN10A protein (p.Arg498Gln). This variant is present in population databases (rs372716583, gnomAD 0.06%). This variant has not been reported in the literature in individuals affected with SCN10A-related conditions. ClinVar contains an entry for this variant (Variation ID: 938804). Invitae Evidence Modeling of protein sequence and biophysical properties (such as structural, functional, and spatial information, amino acid conservation, physicochemical variation, residue mobility, and thermodynamic stability) indicates that this missense variant is not expected to disrupt SCN10A protein function with a negative predictive value of 80%. In summary, the available evidence is currently insufficient to determine the role of this variant in disease. Therefore, it has been classified as a Variant of Uncertain Significance.

CeGaT Center for Human Genetics Tuebingen
Classification: Likely benign. Last evaluated: 2025-09-01. Review status: criteria provided, single submitter. Criteria: CeGaT Center For Human Genetics Tuebingen Variant Classification Criteria Version 2. Collection method: clinical testing. Allele origin: germline. Affected: yes. Observed: 1 variant allele.
Comment: SCN10A: BS2

Revvity Omics, Revvity
Classification: Uncertain significance for Episodic pain syndrome, familial, 2. Last evaluated: 2022-09-20. Review status: criteria provided, single submitter. Criteria: ACMG Guidelines, 2015. Collection method: clinical testing. Allele origin: germline.

Ambry Genetics
Classification: Likely benign for Cardiovascular phenotype. Last evaluated: 2020-04-21. Review status: criteria provided, single submitter. Criteria: Ambry Variant Classification Scheme 2023. Collection method: clinical testing. Allele origin: germline.

NM_006514.4(SCN10A):c.1493G>A (p.Arg498Gln)

Gene: SCN10A (sodium voltage-gated channel alpha subunit 10; minus strand). Cytogenetic location: 3p22.2.
Variant type: single nucleotide variant.
Coding change: c.1493G>A on transcript NM_006514.4 (MANE Select); coding-DNA position 1493, G replaced by A.
Protein change: p.Arg498Gln; replaces arginine 498 with glutamine.
Molecular consequence: missense variant. On other transcripts: intron variant (1).
Genome position (GRCh38, 1-based): chr3:38,752,481, C>T on the plus strand (G>A on the coding strand, the complement: SCN10A is on the minus strand). VCF-style: chr3-38752481-C-T. GRCh37 (hg19) VCF-style: chr3-38793972-C-T.
Other names: c.1493G>A, p.Arg498Gln (NM_001293306.2); c.1462-2297G>A (NM_001293307.2); short protein forms R498Q.
Identifiers: ClinVar variation 938804 (VCV000938804.16), dbSNP rs372716583, ClinGen allele CA2320832.